The following is an entry in ClinVar:

NM_001130009.3(GEN1):c.1195C>T (p.Pro399Ser)

Gene: GEN1 (GEN1 structure-specific endonuclease; plus strand). Cytogenetic location: 2p24.2.
Variant type: single nucleotide variant.
Coding change: c.1195C>T on transcript NM_001130009.3 (MANE Select); coding-DNA position 1195, C replaced by T.
Protein change: p.Pro399Ser; replaces proline 399 with serine.
Molecular consequence: missense variant.
Genome position (GRCh38, 1-based): chr2:17,774,394, C>T. VCF-style: chr2-17774394-C-T. GRCh37 (hg19) VCF-style: chr2-17955661-C-T.
Other names: c.1195C>T, p.Pro399Ser (NM_182625.5); c.1195C>T (NM_001130009.1); short protein forms P399S.
Identifiers: ClinVar variation 1477863 (VCV001477863.9), dbSNP rs754533971, ClinGen allele CA1540686.

ClinVar aggregate classification (germline): Uncertain significance. Review status: criteria provided, multiple submitters, no conflicts (2 of 4 stars). 2 submissions from 2 submitters: Uncertain significance (2). Last evaluated 2025-02-21.

Allele frequency attached by ClinVar (database versions not stated): gnomAD exomes 0.00001 and 0.00002; ExAC 0.00002.

Submissions (2):

Ambry Genetics
Classification: Uncertain significance. Last evaluated: 2025-02-21. Review status: criteria provided, single submitter. Criteria: Ambry Variant Classification Scheme 2023. Collection method: clinical testing. Allele origin: germline.
Comment: The p.P399S variant (also known as c.1195C>T), located in coding exon 10 of the GEN1 gene, results from a C to T substitution at nucleotide position 1195. The proline at codon 399 is replaced by serine, an amino acid with similar properties. This amino acid position is conserved. In addition, this alteration is predicted to be tolerated by in silico analysis. Based on the available evidence, the clinical significance of this variant remains unclear.

Labcorp Genetics (formerly Invitae), Labcorp
Classification: Uncertain significance. Last evaluated: 2022-08-23. Review status: criteria provided, single submitter. Criteria: Invitae Variant Classification Sherloc (09022015). Collection method: clinical testing. Allele origin: germline.
Comment: In summary, the available evidence is currently insufficient to determine the role of this variant in disease. Therefore, it has been classified as a Variant of Uncertain Significance. Algorithms developed to predict the effect of missense changes on protein structure and function are either unavailable or do not agree on the potential impact of this missense change (SIFT: "Tolerated"; PolyPhen-2: "Probably Damaging"; Align-GVGD: "Class C0"). ClinVar contains an entry for this variant (Variation ID: 1477863). This variant has not been reported in the literature in individuals affected with GEN1-related conditions. This variant is present in population databases (rs754533971, gnomAD 0.02%). This sequence change replaces proline, which is neutral and non-polar, with serine, which is neutral and polar, at codon 399 of the GEN1 protein (p.Pro399Ser).